The following is an entry in ClinVar:

NM_152564.5(VPS13B):c.11002G>A (p.Val3668Ile)

Gene: VPS13B (vacuolar protein sorting 13 homolog B; plus strand). Cytogenetic location: 8q22.2.
Variant type: single nucleotide variant.
Coding change: c.11002G>A on transcript NM_152564.5 (MANE Select); coding-DNA position 11002, G replaced by A.
Protein change: p.Val3668Ile; replaces valine 3668 with isoleucine.
Molecular consequence: missense variant.
Genome position (GRCh38, 1-based): chr8:99,859,438, G>A. VCF-style: chr8-99859438-G-A. GRCh37 (hg19) VCF-style: chr8-100871666-G-A.
Other names: c.11077G>A, p.Val3693Ile (NM_017890.5); c.11002G>A (NM_152564.4); short protein forms V3668I, V3693I.
Identifiers: ClinVar variation 972233 (VCV000972233.9), dbSNP rs746534351, ClinGen allele CA4825091.
Genomic context (GRCh38, chr8:99,859,438, plus strand): 5'-GACTTCTTCAGGCTTCCGTATGAGGGGCTGACCCGGGGCCCTGGAGCCTTCGTGAGTGGC[G>A]TCTCCAGAGGGACCACATCGTTTGTAAAGCACATCTCCAAAGGTAGCGGGTTCCGTTCCT-3'
Protein context (NP_689777.3, residues 3658-3678): TRGPGAFVSG[Val3668Ile]SRGTTSFVKH

ClinVar aggregate classification (germline): Uncertain significance. Review status: criteria provided, multiple submitters, no conflicts (2 of 4 stars). 4 submissions from 4 submitters: Uncertain significance (2). 2 of the submissions do not count toward it. Last evaluated 2025-01-14.

Conditions:
VPS13B-related disorder. Also called: VPS13B-related condition.
Cohen syndrome (COH1). Also called: PEPPER SYNDROME; Cutis verticis gyrata, retinitis pigmentosa, and sensorineural deafness. Identifiers: Orphanet 193, MedGen C0265223, MONDO:0008999, OMIM 216550.

Allele frequency attached by ClinVar (database versions not stated): gnomAD exomes below 0.00001 and 0.00001; ExAC 0.00001; gnomAD 0.00001; TOPMed 0.00001.
gnomAD v4.1: 12 of 1,613,964 alleles (0.00074%); highest among the groups gnomAD compares: South Asian, 0.0044%; no homozygotes.

Submissions (4):

Labcorp Genetics (formerly Invitae), Labcorp
Classification: Uncertain significance for Cohen syndrome. Last evaluated: 2025-01-14. Review status: criteria provided, single submitter. Criteria: Invitae Variant Classification Sherloc (09022015). Collection method: clinical testing. Allele origin: germline.
Comment: This sequence change replaces valine, which is neutral and non-polar, with isoleucine, which is neutral and non-polar, at codon 3693 of the VPS13B protein (p.Val3693Ile). This variant is present in population databases (rs746534351, gnomAD 0.003%). This variant has not been reported in the literature in individuals affected with VPS13B-related conditions. ClinVar contains an entry for this variant (Variation ID: 972233). Invitae Evidence Modeling of protein sequence and biophysical properties (such as structural, functional, and spatial information, amino acid conservation, physicochemical variation, residue mobility, and thermodynamic stability) indicates that this missense variant is expected to disrupt VPS13B protein function with a positive predictive value of 80%. In summary, the available evidence is currently insufficient to determine the role of this variant in disease. Therefore, it has been classified as a Variant of Uncertain Significance.

Blueprint Genetics
Classification: Uncertain significance. Last evaluated: 2024-10-04. Review status: criteria provided, single submitter. Criteria: ACMG Guidelines, 2015. Collection method: clinical testing. Allele origin: germline.

PreventionGenetics, part of Exact Sciences
Classification: Uncertain significance for VPS13B-related condition. Last evaluated: 2024-02-22. Review status: no assertion criteria provided. Collection method: clinical testing. Allele origin: germline. Not counted in ClinVar's aggregate classification.
Comment: The VPS13B c.11002G>A variant is predicted to result in the amino acid substitution p.Val3668Ile. To our knowledge, this variant has not been reported in the literature. This variant is reported in 0.0033% of alleles in individuals of South Asian descent in gnomAD. At this time, the clinical significance of this variant is uncertain due to the absence of conclusive functional and genetic evidence.

Natera, Inc.
Classification: Uncertain significance for Cohen syndrome. Last evaluated: 2020-03-31. Review status: no assertion criteria provided. Collection method: clinical testing. Allele origin: germline. Not counted in ClinVar's aggregate classification.